The following is an entry in ClinVar:

ClinVar aggregate classification (germline): Likely benign (1 of 4 stars; one submission).

Submission:

CeGaT Center for Human Genetics Tuebingen
Classification: Likely benign. Last evaluated: 2025-05-01. Review status: criteria provided, single submitter. Criteria: CeGaT Center For Human Genetics Tuebingen Variant Classification Criteria Version 2. Collection method: clinical testing. Allele origin: germline. Affected: yes. Observed: 1 variant allele.
Comment: TBX22: PM2:Supporting, BP4, BP7

NM_001109878.2(TBX22):c.930C>T (p.Thr310=)

Gene: TBX22 (T-box transcription factor 22). Cytogenetic location: Xq21.1.
Variant type: single nucleotide variant.
Coding change: c.930C>T on transcript NM_001109878.2 (MANE Select); coding-DNA position 930, C replaced by T.
Protein change: p.Thr310=; no amino-acid change (threonine 310 retained).
Molecular consequence: synonymous variant.
Genome position (GRCh38, 1-based): chrX:80,028,057, C>T. VCF-style: chrX-80028057-C-T. GRCh37 (hg19) VCF-style: chrX-79283556-C-T.
Other names: c.570C>T, p.Thr190= (NM_001109879.2, NM_001303475.1); c.930C>T, p.Thr310= (NM_016954.2).
Identifiers: ClinVar variation 3905947 (VCV003905947.10).